The following is an entry in ClinVar:

NM_002693.3(POLG):c.2992T>C (p.Ser998Pro)

Gene: POLG (DNA polymerase gamma, catalytic subunit; minus strand). Cytogenetic location: 15q26.1.
Variant type: single nucleotide variant.
Coding change: c.2992T>C on transcript NM_002693.3 (MANE Select); coding-DNA position 2992, T replaced by C.
Protein change: p.Ser998Pro; replaces serine 998 with proline.
Molecular consequence: missense variant.
Genome position (GRCh38, 1-based): chr15:89,319,340, A>G on the plus strand (T>C on the coding strand, the complement: POLG is on the minus strand). VCF-style: chr15-89319340-A-G. GRCh37 (hg19) VCF-style: chr15-89862571-A-G.
Other names: c.2992T>C, p.Ser998Pro (NM_001126131.2); short protein forms S998P.
Identifiers: ClinVar variation 1373827 (VCV001373827.5), dbSNP rs199810950, ClinGen allele CA393751482.
Genomic context (GRCh38, chr15:89,319,340, plus strand): 5'-CACCCTCAGTCCTGTCCACTGGGAGGTTCAACTCCCTCACCAGCCACTCGCCCTCATCCG[A>G]CAGCCGATACCTGGGGGCAGTGTTATCACCATCATTCCACGGGAGTGCTTCCTGTGCCAC-3'
Protein context (NP_002684.1, residues 988-1008): ATKGLRWYRL[Ser998Pro]DEGEWLVREL

ClinVar aggregate classification (germline): Uncertain significance (1 of 4 stars; one submission).

Conditions:
Progressive sclerosing poliodystrophy (MTDPS4A). Also called: Mitochondrial DNA depletion syndrome 4A (Alpers type); ALPERS PROGRESSIVE INFANTILE POLIODYSTROPHY; NEURONAL DEGENERATION OF CHILDHOOD WITH LIVER DISEASE, PROGRESSIVE; Mitochondrial DNA Depletion Syndrome 4A; Alpers-Huttenlocher Syndrome (AHS); Alpers Syndrome. Identifiers: Orphanet 726, MedGen C0205710, MONDO:0008758, OMIM 203700.

Allele frequency attached by ClinVar (database versions not stated): gnomAD exomes below 0.00001.
gnomAD v4.1: 2 of 1,612,748 alleles (0.00012%); highest among the groups gnomAD compares: Non-Finnish European, 0.00017%; no homozygotes.

Submission:

Labcorp Genetics (formerly Invitae), Labcorp
Classification: Uncertain significance for Progressive sclerosing poliodystrophy. Last evaluated: 2021-11-26. Review status: criteria provided, single submitter. Criteria: Invitae Variant Classification Sherloc (09022015). Collection method: clinical testing. Allele origin: germline.
Comment: This sequence change replaces serine, which is neutral and polar, with proline, which is neutral and non-polar, at codon 998 of the POLG protein (p.Ser998Pro). This variant is not present in population databases (gnomAD no frequency). This missense change has been observed in individual(s) with progressive external ophthalmoplegia (PMID: 30423451). Algorithms developed to predict the effect of missense changes on protein structure and function are either unavailable or do not agree on the potential impact of this missense change (SIFT: "Tolerated"; PolyPhen-2: "Probably Damaging"; Align-GVGD: "Class C0"). This variant disrupts the p.Ser998 amino acid residue in POLG. Other variant(s) that disrupt this residue have been observed in individuals with POLG-related conditions (PMID: 22377773, 31613174), which suggests that this may be a clinically significant amino acid residue. In summary, the available evidence is currently insufficient to determine the role of this variant in disease. Therefore, it has been classified as a Variant of Uncertain Significance.

Literature cited by the submitters: PubMed 30423451; PubMed 22377773; PubMed 31613174.